The following is an entry in ClinVar:

ClinVar aggregate classification (germline): Uncertain significance (1 of 4 stars; one submission).

Submission:

Labcorp Genetics (formerly Invitae), Labcorp
Classification: Uncertain significance. Last evaluated: 2022-03-19. Review status: criteria provided, single submitter. Criteria: Invitae Variant Classification Sherloc (09022015). Collection method: clinical testing. Allele origin: germline.
Comment: In summary, the available evidence is currently insufficient to determine the role of this variant in disease. Therefore, it has been classified as a Variant of Uncertain Significance. Algorithms developed to predict the effect of sequence changes on RNA splicing suggest that this variant may disrupt the consensus splice site. This variant has not been reported in the literature in individuals affected with CCDC88C-related conditions. This variant is not present in population databases (gnomAD no frequency). This sequence change falls in intron 24 of the CCDC88C gene. It does not directly change the encoded amino acid sequence of the CCDC88C protein.

NM_001080414.4(CCDC88C):c.4203-9_4203-7del

Gene: CCDC88C (coiled-coil and HOOK domain protein 88C; minus strand). Cytogenetic location: 14q32.11.
Variant type: Deletion.
Coding change: c.4203-9_4203-7del on transcript NM_001080414.4 (MANE Select); 9 bases into the intron before coding-DNA position 4203 through 7 bases into the intron before coding-DNA position 4203, 3 bases deleted (TCT; older notation c.4203-9_4203-7delTCT).
Molecular consequence: intron variant.
Genome position (GRCh38, 1-based): chr14:91,289,350-91,289,352, AGA deleted on the plus strand (TCT on the coding strand, the reverse complement: CCDC88C is on the minus strand); deleting any 3 consecutive bases within chr14:91,289,350-91,289,354 gives the same sequence; the c. name uses the placement nearest the transcript's 3' end. VCF-style (leftmost placement, unchanged base first): chr14-91289349-TAGA-T. GRCh37 (hg19) VCF-style: chr14-91755693-TAGA-T.
Identifiers: ClinVar variation 1967150 (VCV001967150.5), dbSNP rs1890562786, ClinGen allele CA2154876607.